The following is an entry in ClinVar:

NM_000059.4(BRCA2):c.386del (p.Asp129fs)

Gene: BRCA2 (BRCA2 DNA repair associated; plus strand). Cytogenetic location: 13q13.1.
Variant type: Deletion.
Coding change: c.386del on transcript NM_000059.4 (MANE Select); coding-DNA position 386, one base deleted (A; older notation c.386delA).
Protein change: p.Asp129fs; shifts the reading frame from aspartic acid 129.
Molecular consequence: frameshift variant.
Genome position (GRCh38, 1-based): chr13:32,325,145, A deleted. VCF-style (leftmost placement, unchanged base first): chr13-32325144-GA-G. GRCh37 (hg19) VCF-style: chr13-32899281-GA-G.
Other names: short protein forms D129fs.
Identifiers: ClinVar variation 845473 (VCV000845473.11), dbSNP rs2072334992, ClinGen allele CA916080522.

ClinVar aggregate classification (germline): Pathogenic. Review status: criteria provided, multiple submitters, no conflicts (2 of 4 stars). 2 submissions from 2 submitters: Pathogenic (2). Last evaluated 2020-02-18.

Conditions:
Hereditary breast ovarian cancer syndrome. Also called: Breast and ovarian cancer; Hereditary breast and ovarian cancer; Hereditary breast and/or ovarian cancer syndrome; BRCA1- and BRCA2-Associated Hereditary Breast and Ovarian Cancer; Hereditary breast and ovarian cancer syndrome; Hereditary breast and ovarian cancer syndrome (HBOC). Identifiers: Orphanet 145, MedGen C0677776, MeSH D061325, MONDO:0003582. Disease mechanism: loss of function.
Hereditary cancer-predisposing syndrome. Also called: Tumor predisposition; Hereditary neoplastic syndrome; Neoplastic Syndromes, Hereditary; Hereditary Cancer Syndrome. Identifiers: Orphanet 140162, MedGen C0027672, MeSH D009386, MONDO:0015356.

Submissions (2):

Color Diagnostics, LLC DBA Color Health
Classification: Pathogenic for Hereditary cancer-predisposing syndrome. Last evaluated: 2020-02-18. Review status: criteria provided, single submitter. Criteria: ACMG Guidelines, 2015. Collection method: clinical testing. Allele origin: germline.
Comment: This variant deletes 1 nucleotide in exon 4 of the BRCA2 gene, creating a frameshift and premature translation stop signal. This variant is expected to result in an absent or non-functional protein product. To our knowledge, this variant has not been reported in individuals affected with hereditary cancer in the literature. This variant has not been identified in the general population by the Genome Aggregation Database (gnomAD). Loss of BRCA2 function is a known mechanism of disease. Based on the available evidence, this variant is classified as Pathogenic.

Labcorp Genetics (formerly Invitae), Labcorp
Classification: Pathogenic for Hereditary breast ovarian cancer syndrome. Last evaluated: 2019-11-25. Review status: criteria provided, single submitter. Criteria: Invitae Variant Classification Sherloc (09022015). Collection method: clinical testing. Allele origin: germline.
Comment: This sequence change creates a premature translational stop signal (p.Asp129Valfs*7) in the BRCA2 gene. It is expected to result in an absent or disrupted protein product. This variant has not been reported in the literature in individuals with BRCA2-related conditions. This variant is not present in population databases (ExAC no frequency). Loss-of-function variants in BRCA2 are known to be pathogenic (PMID: 20104584). For these reasons, this variant has been classified as Pathogenic.

Literature cited by the submitters: PubMed 20104584 (cited by Labcorp Genetics (formerly Invitae), Labcorp).